The following is an entry in ClinVar:

NM_000243.3(MEFV):c.1327T>A (p.Tyr443Asn)

Gene: MEFV (MEFV innate immunity regulator, pyrin; minus strand). Cytogenetic location: 16p13.3.
Variant type: single nucleotide variant.
Coding change: c.1327T>A on transcript NM_000243.3 (MANE Select); coding-DNA position 1327, T replaced by A.
Protein change: p.Tyr443Asn; replaces tyrosine 443 with asparagine.
Molecular consequence: missense variant.
Genome position (GRCh38, 1-based): chr16:3,248,938, A>T on the plus strand (T>A on the coding strand, the complement: MEFV is on the minus strand). VCF-style: chr16-3248938-A-T. GRCh37 (hg19) VCF-style: chr16-3298938-A-T.
Other names: c.694T>A, p.Tyr232Asn (NM_001198536.2); short protein forms Y232N, Y443N.
Identifiers: ClinVar variation 2140736 (VCV002140736.2), dbSNP rs771606146, ClinGen allele CA7860181.

ClinVar aggregate classification (germline): Uncertain significance. Review status: criteria provided, multiple submitters, no conflicts (2 of 4 stars). 2 submissions from 2 submitters: Uncertain significance (2). Last evaluated 2025-09-24.

Conditions:
Familial Mediterranean fever (FMF). Also called: POLYSEROSITIS, FAMILIAL PAROXYSMAL; POLYSEROSITIS, RECURRENT; Periodic peritonitis; Benign paroxysmal peritonitis. Identifiers: Orphanet 342, MedGen C0031069, MONDO:0018088, OMIM 249100. Disease mechanism: gain of function.
Familial Mediterranean fever, autosomal dominant. Also called: FMF, AUTOSOMAL DOMINANT; Dominant Familial Mediterranean Fever. Identifiers: Orphanet 342, MedGen C1851347, MONDO:0007601, OMIM 134610.

Allele frequency attached by ClinVar (database versions not stated): ExAC 0.00002.
gnomAD v4.1: 2 of 1,614,150 alleles (0.00012%); highest among the groups gnomAD compares: East Asian, 0.0045%; no homozygotes.

Submissions (2):

Genesolutions, Medical Genetics Institutes, Ho Chi Minh City, Vietnam
Classification: Uncertain significance for Familial Mediterranean fever, autosomal dominant. Last evaluated: 2025-09-24. Review status: criteria provided, single submitter. Criteria: ACMG Guidelines, 2015. Collection method: clinical testing. Allele origin: germline. Affected: yes.

Labcorp Genetics (formerly Invitae), Labcorp
Classification: Uncertain significance for Familial Mediterranean fever. Last evaluated: 2022-05-20. Review status: criteria provided, single submitter. Criteria: Invitae Variant Classification Sherloc (09022015). Collection method: clinical testing. Allele origin: germline.
Comment: This sequence change replaces tyrosine, which is neutral and polar, with asparagine, which is neutral and polar, at codon 443 of the MEFV protein (p.Tyr443Asn). This variant is present in population databases (rs771606146, gnomAD 0.02%). This variant has not been reported in the literature in individuals affected with MEFV-related conditions. Algorithms developed to predict the effect of missense changes on protein structure and function (SIFT, PolyPhen-2, Align-GVGD) all suggest that this variant is likely to be tolerated. In summary, the available evidence is currently insufficient to determine the role of this variant in disease. Therefore, it has been classified as a Variant of Uncertain Significance.